The following is an entry in ClinVar:

ClinVar aggregate classification (germline): Conflicting classifications of pathogenicity. Review status: criteria provided, conflicting classifications (1 of 4 stars). 2 submissions from 2 submitters: Uncertain significance (1); Likely benign (1). Last evaluated 2025-03-14.

Conditions:
Inborn genetic diseases. Identifiers: MedGen C0950123, MeSH D030342.

Allele frequency attached by ClinVar (database versions not stated): gnomAD exomes below 0.00001; TOPMed 0.00001; ExAC 0.00002.

Submissions (2):

Ambry Genetics
Classification: Likely benign for Inborn genetic diseases. Last evaluated: 2025-03-14. Review status: criteria provided, single submitter. Criteria: Ambry Variant Classification Scheme 2023. Collection method: clinical testing. Allele origin: germline.

Labcorp Genetics (formerly Invitae), Labcorp
Classification: Uncertain significance. Last evaluated: 2023-09-19. Review status: criteria provided, single submitter. Criteria: Invitae Variant Classification Sherloc (09022015). Collection method: clinical testing. Allele origin: germline.
Comment: This sequence change replaces glycine, which is neutral and non-polar, with aspartic acid, which is acidic and polar, at codon 483 of the THBD protein (p.Gly483Asp). This variant is present in population databases (rs749840435, gnomAD 0.02%). This variant has not been reported in the literature in individuals affected with THBD-related conditions. ClinVar contains an entry for this variant (Variation ID: 2087909). Advanced modeling of protein sequence and biophysical properties (such as structural, functional, and spatial information, amino acid conservation, physicochemical variation, residue mobility, and thermodynamic stability) performed at Invitae indicates that this missense variant is not expected to disrupt THBD protein function. In summary, the available evidence is currently insufficient to determine the role of this variant in disease. Therefore, it has been classified as a Variant of Uncertain Significance.

NM_000361.3(THBD):c.1448G>A (p.Gly483Asp)

Gene: THBD (thrombomodulin; minus strand). Cytogenetic location: 20p11.21.
Variant type: single nucleotide variant.
Coding change: c.1448G>A on transcript NM_000361.3 (MANE Select); coding-DNA position 1448, G replaced by A.
Protein change: p.Gly483Asp; replaces glycine 483 with aspartic acid.
Molecular consequence: missense variant.
Genome position (GRCh38, 1-based): chr20:23,048,057, C>T on the plus strand (G>A on the coding strand, the complement: THBD is on the minus strand). VCF-style: chr20-23048057-C-T. GRCh37 (hg19) VCF-style: chr20-23028694-C-T.
Other names: short protein forms G483D.
Identifiers: ClinVar variation 2087909 (VCV002087909.5), dbSNP rs749840435, ClinGen allele CA9787553.